The following is an entry in ClinVar:

NM_000516.7(GNAS):c.718+8G>A

Gene: GNAS (GNAS complex locus; plus strand). Cytogenetic location: 20q13.32.
Variant type: single nucleotide variant.
Coding change: c.718+8G>A on transcript NM_000516.7 (MANE Select); 8 bases into the intron after coding-DNA position 718, G replaced by A.
Molecular consequence: intron variant.
Genome position (GRCh38, 1-based): chr20:58,909,587, G>A. VCF-style: chr20-58909587-G-A. GRCh37 (hg19) VCF-style: chr20-57484642-G-A.
Other names: c.718+8G>A (NM_000516.5); c.*624+8G>A (NM_016592.5); c.622+8G>A (NM_001410912.1); c.541+8G>A (NM_001309861.2, NM_001309840.2); c.*579+8G>A (NM_001077490.3); c.2647+8G>A (NM_080425.4); c.2602+8G>A (NM_001410913.1); c.721+8G>A (NM_001077488.5); and 2 more.
Identifiers: ClinVar variation 2959932 (VCV002959932.4), dbSNP rs1482808858, ClinGen allele CA636607682.
Genomic context (GRCh38, chr20:58,909,587, plus strand): 5'-TGACGTGGGTGGCCAGCGCGATGAACGCCGCAAGTGGATCCAGTGCTTCAACGGTAGGAT[G>A]CTGTGGGCTTGGCTGTTCGTAAAGAACGCTTTGCTTCTGTGTTGTTAGGGATCAGGGTCG-3'

ClinVar aggregate classification (germline): Likely benign. Review status: criteria provided, single submitter (1 of 4 stars). 2 submissions from 2 submitters: Likely benign (1). 1 of the submissions does not count toward it. Last evaluated 2023-12-15.

Conditions:
GNAS-related disorder. Identifiers: MedGen CN380105.

Allele frequency attached by ClinVar (database versions not stated): gnomAD exomes 0.00001.
gnomAD v4.1: 3 of 1,614,204 alleles (0.00019%); highest among the groups gnomAD compares: Admixed American, 0.005%; no homozygotes.

Submissions (2):

Labcorp Genetics (formerly Invitae), Labcorp
Classification: Likely benign. Last evaluated: 2023-12-15. Review status: criteria provided, single submitter. Criteria: Invitae Variant Classification Sherloc (09022015). Collection method: clinical testing. Allele origin: germline.

PreventionGenetics, part of Exact Sciences
Classification: Likely benign for GNAS-related condition. Last evaluated: 2020-09-14. Review status: no assertion criteria provided. Collection method: clinical testing. Allele origin: germline. Not counted in ClinVar's aggregate classification.
Comment: This variant is classified as likely benign based on ACMG/AMP sequence variant interpretation guidelines (Richards et al. 2015 PMID: 25741868, with internal and published modifications).